The following is an entry in ClinVar:

NM_144992.5(VWA3B):c.3264G>C (p.Met1088Ile)

Gene: VWA3B (von Willebrand factor A domain containing 3B; plus strand). Cytogenetic location: 2q11.2.
Variant type: single nucleotide variant.
Coding change: c.3264G>C on transcript NM_144992.5 (MANE Select); coding-DNA position 3264, G replaced by C.
Protein change: p.Met1088Ile; replaces methionine 1088 with isoleucine.
Molecular consequence: missense variant. On other transcripts: non-coding transcript variant (1).
Genome position (GRCh38, 1-based): chr2:98,298,013, G>C. VCF-style: chr2-98298013-G-C. GRCh37 (hg19) VCF-style: chr2-98914476-G-C.
Other names: c.2235G>C, p.Met745Ile (NM_001345864.2); short protein forms M1088I, M745I.
Identifiers: ClinVar variation 2651178 (VCV002651178.24), dbSNP rs1574304316, ClinGen allele CA347814846.
Genomic context (GRCh38, chr2:98,298,013, plus strand): 5'-CAGTTACGGAGACACCAAGGTCGTGTCCACCTCCTTCATCACGCCTGTGGGGGGCGCCAT[G>C]CCCTGCCCGCTGCTCCAGGTACCCAGTCCCTGATGTGTTCTGGGGCCCCTTTTCACCATC-3'
Protein context (NP_659429.4, residues 1078-1098): TSFITPVGGA[Met1088Ile]PCPLLQVGDY

ClinVar aggregate classification (germline): Uncertain significance (1 of 4 stars; one submission).

Allele frequency attached by ClinVar (database versions not stated): TOPMed below 0.00001; gnomAD 0.00001.

Submission:

CeGaT Center for Human Genetics Tuebingen
Classification: Uncertain significance. Last evaluated: 2023-01-01. Review status: criteria provided, single submitter. Criteria: CeGaT Center For Human Genetics Tuebingen Variant Classification Criteria Version 2. Collection method: clinical testing. Allele origin: germline. Affected: yes. Observed: 1 variant allele.
Comment: VWA3B: PM2, BP4